The following is an entry in ClinVar:

ClinVar aggregate classification (germline): Uncertain significance (1 of 4 stars; one submission).

Submission:

Labcorp Genetics (formerly Invitae), Labcorp
Classification: Uncertain significance. Last evaluated: 2024-10-24. Review status: criteria provided, single submitter. Criteria: Invitae Variant Classification Sherloc (09022015). Collection method: clinical testing. Allele origin: germline.
Comment: This sequence change replaces glutamic acid, which is acidic and polar, with aspartic acid, which is acidic and polar, at codon 254 of the SCO1 protein (p.Glu254Asp). This variant is not present in population databases (gnomAD no frequency). This variant has not been reported in the literature in individuals affected with SCO1-related conditions. ClinVar contains an entry for this variant (Variation ID: 1518766). Invitae Evidence Modeling of protein sequence and biophysical properties (such as structural, functional, and spatial information, amino acid conservation, physicochemical variation, residue mobility, and thermodynamic stability) indicates that this missense variant is not expected to disrupt SCO1 protein function with a negative predictive value of 80%. In summary, the available evidence is currently insufficient to determine the role of this variant in disease. Therefore, it has been classified as a Variant of Uncertain Significance.

NM_004589.4(SCO1):c.762A>T (p.Glu254Asp)

Gene: SCO1 (synthesis of cytochrome C oxidase 1; minus strand). Cytogenetic location: 17p13.1.
Variant type: single nucleotide variant.
Coding change: c.762A>T on transcript NM_004589.4 (MANE Select); coding-DNA position 762, A replaced by T.
Protein change: p.Glu254Asp; replaces glutamic acid 254 with aspartic acid.
Molecular consequence: missense variant.
Genome position (GRCh38, 1-based): chr17:10,686,736, T>A on the plus strand (A>T on the coding strand, the complement: SCO1 is on the minus strand). VCF-style: chr17-10686736-T-A. GRCh37 (hg19) VCF-style: chr17-10590053-T-A.
Other names: short protein forms E254D.
Identifiers: ClinVar variation 1518766 (VCV001518766.8), dbSNP rs2151454205, ClinGen allele CA398128512.